The following is an entry in ClinVar:

NM_001042492.3(NF1):c.5290del (p.Gln1763_Val1764insTer)

Gene: NF1 (neurofibromin 1; plus strand). Cytogenetic location: 17q11.2.
Variant type: Deletion.
Coding change: c.5290del on transcript NM_001042492.3 (MANE Select); coding-DNA position 5290, one base deleted (G; older notation c.5290delG).
Protein change: p.Gln1763_Val1764insTer.
Molecular consequence: nonsense. On other transcripts: frameshift variant (1).
Genome position (GRCh38, 1-based): chr17:31,327,520, G deleted. VCF-style (leftmost placement, unchanged base first): chr17-31327519-AG-A. GRCh37 (hg19) VCF-style: chr17-29654537-AG-A.
Other names: c.5227delG, p.Val1743Terfs (NM_000267.4).
Identifiers: ClinVar variation 1455902 (VCV001455902.6), dbSNP rs2151540840, ClinGen allele CA2573153401.

ClinVar aggregate classification (germline): Pathogenic (1 of 4 stars; one submission).

Conditions:
Neurofibromatosis, type 1 (NF1). Also called: Neurofibromatosis, type I; VON RECKLINGHAUSEN DISEASE; NEUROFIBROMATOSIS, TYPE I, SOMATIC; Peripheral type neurofibromatosis. Identifiers: Orphanet 636, MedGen C0027831, MONDO:0018975, OMIM 162200. Disease mechanism: loss of function.

Submission:

Labcorp Genetics (formerly Invitae), Labcorp
Classification: Pathogenic for Neurofibromatosis, type 1. Last evaluated: 2021-10-20. Review status: criteria provided, single submitter. Criteria: Invitae Variant Classification Sherloc (09022015). Collection method: clinical testing. Allele origin: germline.
Comment: This variant is not present in population databases (gnomAD no frequency). For these reasons, this variant has been classified as Pathogenic. This variant has not been reported in the literature in individuals affected with NF1-related conditions. This sequence change creates a premature translational stop signal (p.Val1743*) in the NF1 gene. It is expected to result in an absent or disrupted protein product. Loss-of-function variants in NF1 are known to be pathogenic (PMID: 10712197, 23913538).

Literature cited by the submitters: PubMed 10712197; PubMed 23913538.